The following is an entry in ClinVar:

NM_000553.6(WRN):c.725A>C (p.Glu242Ala)

Gene: WRN (WRN RecQ like helicase; plus strand). Cytogenetic location: 8p12.
Variant type: single nucleotide variant.
Coding change: c.725A>C on transcript NM_000553.6 (MANE Select); coding-DNA position 725, A replaced by C.
Protein change: p.Glu242Ala; replaces glutamic acid 242 with alanine.
Molecular consequence: missense variant.
Genome position (GRCh38, 1-based): chr8:31,076,173, A>C. VCF-style: chr8-31076173-A-C. GRCh37 (hg19) VCF-style: chr8-30933689-A-C.
Other names: short protein forms E242A.
Identifiers: ClinVar variation 1986921 (VCV001986921.4), dbSNP rs1813086145, ClinGen allele CA370918290.

ClinVar aggregate classification (germline): Uncertain significance (1 of 4 stars; one submission).

Conditions:
Werner syndrome (WRN). Identifiers: Orphanet 902, MedGen C0043119, MONDO:0010196, OMIM 277700.

Submission:

Labcorp Genetics (formerly Invitae), Labcorp
Classification: Uncertain significance for Werner syndrome. Last evaluated: 2022-03-17. Review status: criteria provided, single submitter. Criteria: Invitae Variant Classification Sherloc (09022015). Collection method: clinical testing. Allele origin: germline.
Comment: Algorithms developed to predict the effect of missense changes on protein structure and function output the following: SIFT: "Not Available"; PolyPhen-2: "Benign"; Align-GVGD: "Not Available". The alanine amino acid residue is found in multiple mammalian species, which suggests that this missense change does not adversely affect protein function. Algorithms developed to predict the effect of sequence changes on RNA splicing suggest that this variant may disrupt the consensus splice site. In summary, the available evidence is currently insufficient to determine the role of this variant in disease. Therefore, it has been classified as a Variant of Uncertain Significance. This variant has not been reported in the literature in individuals affected with WRN-related conditions. This sequence change replaces glutamic acid, which is acidic and polar, with alanine, which is neutral and non-polar, at codon 242 of the WRN protein (p.Glu242Ala). This variant is not present in population databases (gnomAD no frequency).